The following is an entry in ClinVar:

ClinVar aggregate classification (germline): Uncertain significance. Review status: criteria provided, multiple submitters, no conflicts (2 of 4 stars). 2 submissions from 2 submitters: Uncertain significance (2). Last evaluated 2025-10-25.

Conditions:
Familial adenomatous polyposis 1 (FAP1). Also called: POLYPOSIS, ADENOMATOUS INTESTINAL; FAMILIAL ADENOMATOUS POLYPOSIS 1, ATTENUATED. Identifiers: MedGen C2713442, MONDO:0021056, OMIM 175100. Disease mechanism: loss of function.
Hereditary cancer-predisposing syndrome. Also called: Hereditary neoplastic syndrome; Neoplastic Syndromes, Hereditary; Tumor predisposition; Hereditary Cancer Syndrome. Identifiers: Orphanet 140162, MedGen C0027672, MeSH D009386, MONDO:0015356.

gnomAD v4.1: 1 of 1,614,128 alleles (0.000062%); highest among the groups gnomAD compares: South Asian, 0.0011%; no homozygotes.

Submissions (2):

Ambry Genetics
Classification: Uncertain significance for Hereditary cancer-predisposing syndrome. Last evaluated: 2025-10-25. Review status: criteria provided, single submitter. Criteria: Ambry Variant Classification Scheme 2023. Collection method: clinical testing. Allele origin: germline.
Comment: The p.I2738M variant (also known as c.8214A>G), located in coding exon 15 of the APC gene, results from an A to G substitution at nucleotide position 8214. The isoleucine at codon 2738 is replaced by methionine, an amino acid with highly similar properties. This amino acid position is conserved. In addition, in silico predictors for this gene do not accurately predict pathogenicity. Since supporting evidence is limited at this time, the clinical significance of this alteration remains unclear.

Labcorp Genetics (formerly Invitae), Labcorp
Classification: Uncertain significance for Familial adenomatous polyposis 1. Last evaluated: 2024-05-31. Review status: criteria provided, single submitter. Criteria: Invitae Variant Classification Sherloc (09022015). Collection method: clinical testing. Allele origin: germline.
Comment: This sequence change replaces isoleucine, which is neutral and non-polar, with methionine, which is neutral and non-polar, at codon 2738 of the APC protein (p.Ile2738Met). This variant is not present in population databases (gnomAD no frequency). This variant has not been reported in the literature in individuals affected with APC-related conditions. ClinVar contains an entry for this variant (Variation ID: 470133). Advanced modeling of protein sequence and biophysical properties (such as structural, functional, and spatial information, amino acid conservation, physicochemical variation, residue mobility, and thermodynamic stability) performed at Invitae indicates that this missense variant is not expected to disrupt APC protein function with a negative predictive value of 95%. In summary, the available evidence is currently insufficient to determine the role of this variant in disease. Therefore, it has been classified as a Variant of Uncertain Significance.

NM_000038.6(APC):c.8214A>G (p.Ile2738Met)

Gene: APC (APC regulator of Wnt signaling pathway; plus strand). Cytogenetic location: 5q22.2.
Variant type: single nucleotide variant.
Coding change: c.8214A>G on transcript NM_000038.6 (MANE Select); coding-DNA position 8214, A replaced by G.
Protein change: p.Ile2738Met; replaces isoleucine 2738 with methionine.
Molecular consequence: missense variant.
Genome position (GRCh38, 1-based): chr5:112,843,808, A>G. VCF-style: chr5-112843808-A-G. GRCh37 (hg19) VCF-style: chr5-112179505-A-G.
Other names: c.8214A>G, p.Ile2738Met (NM_001354895.2, NM_001127510.3); c.8268A>G, p.Ile2756Met (NM_001354896.2); c.8244A>G, p.Ile2748Met (NM_001354897.2); c.8139A>G, p.Ile2713Met (NM_001354898.2); c.8130A>G, p.Ile2710Met (NM_001354899.2); c.8091A>G, p.Ile2697Met (NM_001354900.2); c.8037A>G, p.Ile2679Met (NM_001354901.2); c.7941A>G, p.Ile2647Met (NM_001354902.2); and 5 more; short protein forms I2720M, I2738M, I2455M, I2647M, I2697M, I2713M, I2748M, I2578M.
Identifiers: ClinVar variation 470133 (VCV000470133.13), dbSNP rs1554088977, ClinGen allele CA16039162.